The following is an entry in ClinVar:

NM_007294.4(BRCA1):c.594-1del

Gene: BRCA1 (BRCA1 DNA repair associated; minus strand). Cytogenetic location: 17q21.31.
Variant type: Deletion.
Coding change: c.594-1del on transcript NM_007294.4 (MANE Select); the canonical splice acceptor site of the intron before coding-DNA position 594, one base deleted (G; older notation c.594-1delG).
Molecular consequence: splice acceptor variant. On other transcripts: intron variant (115).
Genome position (GRCh38, 1-based): chr17:43,095,923, C deleted on the plus strand (G on the coding strand, the reverse complement: BRCA1 is on the minus strand). VCF-style (leftmost placement, unchanged base first): chr17-43095922-AC-A. GRCh37 (hg19) VCF-style: chr17-41247939-AC-A.
Other names: c.548-1063del (NM_001408425.1, NM_001407681.1, NM_001407675.1 and 34 more transcripts); c.594-1del (NM_001408419.1, NM_001408403.1, NM_001407983.1 and 58 more transcripts); c.167-1063del (NM_001407965.1, NM_001408512.1); c.404-1063del (NM_001407930.1, NM_001408504.1, NM_001407931.1 and 5 more transcripts); c.450-1del (NM_001407843.1, NM_001408465.1, NM_001408463.1 and 26 more transcripts); c.453-1del (NM_001408456.1, NM_001407733.1, NM_001407942.1 and 43 more transcripts); c.384-1del (NM_001408482.1, NM_001407900.1, NM_001408484.1 and 27 more transcripts); c.407-1063del (NM_001407920.1, NM_001408499.1, NM_001407933.1 and 15 more transcripts); and 17 more.
Identifiers: ClinVar variation 1062601 (VCV001062601.10), dbSNP rs2154515376, ClinGen allele CA2499224593.

ClinVar aggregate classification (germline): Uncertain significance (1 of 4 stars; one submission).

Conditions:
Hereditary breast ovarian cancer syndrome. Also called: Hereditary breast and ovarian cancer syndrome (HBOC); Breast and ovarian cancer; Hereditary breast and/or ovarian cancer syndrome; BRCA1- and BRCA2-Associated Hereditary Breast and Ovarian Cancer; Hereditary breast and ovarian cancer syndrome; Hereditary breast and ovarian cancer. Identifiers: Orphanet 145, MedGen C0677776, MeSH D061325, MONDO:0003582. Disease mechanism: loss of function.

Submission:

Labcorp Genetics (formerly Invitae), Labcorp
Classification: Uncertain significance for Hereditary breast ovarian cancer syndrome. Last evaluated: 2020-06-01. Review status: criteria provided, single submitter. Criteria: Invitae Variant Classification Sherloc (09022015). Collection method: clinical testing. Allele origin: germline.
Comment: In summary, the available evidence is currently insufficient to determine the role of this variant in disease. Therefore, it has been classified as a Variant of Uncertain Significance. Experimental studies have shown that variant(s) at this splice acceptor site (c.594-2A>C) result in the generation of two aberrant transcripts, one that leads to out-of-frame skipping of exon 9 (denoted as del10), and one that leads to the in-frame activation of a cryptic acceptor splice site located 21 nucleotides upstream of the natural splice site in intron 8 (ins21) (PMID: 23239986, 24212087, 24667779). However, an in-frame BRCA1 isoform that skips exons 8 and 9 (also known as exons 9 and 10) is expressed in normal blood and breast tissue, suggesting that this isoform may not be deleterious (PMID: 24569164). This variant has not been reported in the literature in individuals with BRCA1-related conditions. This variant is not present in population databases (ExAC no frequency). This sequence change affects an acceptor splice site in intron 8 of the BRCA1 gene. It is expected to disrupt RNA splicing and likely results in an absent or disrupted protein product.

Literature cited by the submitters: PubMed 23239986; PubMed 24212087; PubMed 24667779; PubMed 24569164.